The following is an entry in ClinVar:

ClinVar aggregate classification (germline): Uncertain significance (1 of 4 stars; one submission).

Conditions:
Inborn genetic diseases. Identifiers: MedGen C0950123, MeSH D030342.

Submission:

Ambry Genetics
Classification: Uncertain significance for Inborn genetic diseases. Last evaluated: 2022-06-10. Review status: criteria provided, single submitter. Criteria: Ambry Variant Classification Scheme 2023. Collection method: clinical testing. Allele origin: germline.
Comment: The p.S458F variant (also known as c.1373C>T), located in coding exon 14 of the ERCC2 gene, results from a C to T substitution at nucleotide position 1373. The serine at codon 458 is replaced by phenylalanine, an amino acid with highly dissimilar properties. This amino acid position is conserved. In addition, this alteration is predicted to be deleterious by in silico analysis. Since supporting evidence is limited at this time, the clinical significance of this alteration remains unclear.

NM_000400.4(ERCC2):c.1373C>T (p.Ser458Phe)

Gene: ERCC2 (ERCC excision repair 2, TFIIH core complex helicase subunit; minus strand). Cytogenetic location: 19q13.32.
Variant type: single nucleotide variant.
Coding change: c.1373C>T on transcript NM_000400.4 (MANE Select); coding-DNA position 1373, C replaced by T.
Protein change: p.Ser458Phe; replaces serine 458 with phenylalanine.
Molecular consequence: missense variant.
Genome position (GRCh38, 1-based): chr19:45,357,478, G>A on the plus strand (C>T on the coding strand, the complement: ERCC2 is on the minus strand). VCF-style: chr19-45357478-G-A. GRCh37 (hg19) VCF-style: chr19-45860736-G-A.
Other names: short protein forms S458F.
Identifiers: ClinVar variation 1771097 (VCV001771097.2), dbSNP rs2514013194, ClinGen allele CA406367383.